The following is an entry in ClinVar:

NM_000297.4(PKD2):c.1048G>T (p.Val350Phe)

Gene: PKD2 (polycystin 2, transient receptor potential cation channel; plus strand). Cytogenetic location: 4q22.1.
Variant type: single nucleotide variant.
Coding change: c.1048G>T on transcript NM_000297.4 (MANE Select); coding-DNA position 1048, G replaced by T.
Protein change: p.Val350Phe; replaces valine 350 with phenylalanine.
Molecular consequence: missense variant. On other transcripts: non-coding transcript variant (1).
Genome position (GRCh38, 1-based): chr4:88,038,455, G>T. VCF-style: chr4-88038455-G-T. GRCh37 (hg19) VCF-style: chr4-88959607-G-T.
Other names: short protein forms V350F.
Identifiers: ClinVar variation 2006113 (VCV002006113.4), dbSNP rs2475901825, ClinGen allele CA357633107.

ClinVar aggregate classification (germline): Uncertain significance (1 of 4 stars; one submission).

Conditions:
Autosomal dominant polycystic kidney disease. Identifiers: Orphanet 730, MedGen C0085413, MONDO:0004691.

Submission:

Labcorp Genetics (formerly Invitae), Labcorp
Classification: Uncertain significance for Autosomal dominant polycystic kidney disease. Last evaluated: 2022-06-14. Review status: criteria provided, single submitter. Criteria: Invitae Variant Classification Sherloc (09022015). Collection method: clinical testing. Allele origin: germline.
Comment: In summary, the available evidence is currently insufficient to determine the role of this variant in disease. Therefore, it has been classified as a Variant of Uncertain Significance. Algorithms developed to predict the effect of missense changes on protein structure and function (SIFT, PolyPhen-2, Align-GVGD) all suggest that this variant is likely to be tolerated. This variant has not been reported in the literature in individuals affected with PKD2-related conditions. This variant is not present in population databases (gnomAD no frequency). This sequence change replaces valine, which is neutral and non-polar, with phenylalanine, which is neutral and non-polar, at codon 350 of the PKD2 protein (p.Val350Phe).